The following is an entry in ClinVar:

NM_020987.5(ANK3):c.775G>A (p.Ala259Thr)

Gene: ANK3 (ankyrin 3; minus strand). Cytogenetic location: 10q21.2.
Variant type: single nucleotide variant.
Coding change: c.775G>A on transcript NM_020987.5 (MANE Select); coding-DNA position 775, G replaced by A.
Protein change: p.Ala259Thr; replaces alanine 259 with threonine.
Molecular consequence: missense variant.
Genome position (GRCh38, 1-based): chr10:60,261,882, C>T on the plus strand (G>A on the coding strand, the complement: ANK3 is on the minus strand). VCF-style: chr10-60261882-C-T. GRCh37 (hg19) VCF-style: chr10-62021640-C-T.
Other names: c.757G>A, p.Ala253Thr (NM_001204403.2); c.724G>A, p.Ala242Thr (NM_001204404.2); c.775G>A, p.Ala259Thr (NM_001320874.2); short protein forms A253T, A242T, A259T.
Identifiers: ClinVar variation 4577170 (VCV004577170.2).

ClinVar aggregate classification (germline): Uncertain significance. Review status: criteria provided, multiple submitters, no conflicts (2 of 4 stars). 2 submissions from 2 submitters: Uncertain significance (2). Last evaluated 2025-10-21.

Conditions:
Inborn genetic diseases. Identifiers: MedGen C0950123, MeSH D030342.

gnomAD v4.1: 1 of 1,614,104 alleles (0.000062%); highest among the groups gnomAD compares: Non-Finnish European, 0.000085%; no homozygotes.

Submissions (2):

Ambry Genetics
Classification: Uncertain significance for Inborn genetic diseases. Last evaluated: 2025-10-21. Review status: criteria provided, single submitter. Criteria: Ambry Variant Classification Scheme 2023. Collection method: clinical testing. Allele origin: germline.

Labcorp Genetics (formerly Invitae), Labcorp
Classification: Uncertain significance. Last evaluated: 2025-08-11. Review status: criteria provided, single submitter. Criteria: Invitae Variant Classification Sherloc (09022015). Collection method: clinical testing. Allele origin: germline.
Comment: This sequence change replaces alanine, which is neutral and non-polar, with threonine, which is neutral and polar, at codon 259 of the ANK3 protein (p.Ala259Thr). This variant is not present in population databases (gnomAD no frequency). This variant has not been reported in the literature in individuals affected with ANK3-related conditions. Invitae Evidence Modeling of protein sequence and biophysical properties (such as structural, functional, and spatial information, amino acid conservation, physicochemical variation, residue mobility, and thermodynamic stability) indicates that this missense variant is expected to disrupt ANK3 protein function with a positive predictive value of 80%. In summary, the available evidence is currently insufficient to determine the role of this variant in disease. Therefore, it has been classified as a Variant of Uncertain Significance.